The following is an entry in ClinVar:

NM_001079872.2(CUL4B):c.2169G>A (p.Lys723=)

Gene: CUL4B (cullin 4B; minus strand). Cytogenetic location: Xq24.
Variant type: single nucleotide variant.
Coding change: c.2169G>A on transcript NM_001079872.2 (MANE Select); coding-DNA position 2169, G replaced by A.
Protein change: p.Lys723=; no amino-acid change (lysine 723 retained).
Molecular consequence: synonymous variant.
Genome position (GRCh38, 1-based): chrX:120,534,578, C>T on the plus strand (G>A on the coding strand, the complement: CUL4B is on the minus strand). VCF-style: chrX-120534578-C-T. GRCh37 (hg19) VCF-style: chrX-119668433-C-T.
Other names: c.2184G>A, p.Lys728= (NM_001330624.2); c.1635G>A, p.Lys545= (NM_001369145.1); c.2223G>A, p.Lys741= (NM_003588.4).
Identifiers: ClinVar variation 3031647 (VCV003031647.2), dbSNP rs2521067052, ClinGen allele CA518223757.

ClinVar aggregate classification (germline): Likely benign (0 of 4 stars; one submission).

Conditions:
CUL4B-related disorder. Also called: CUL4B-related condition.

Submission:

PreventionGenetics, part of Exact Sciences
Classification: Likely benign for CUL4B-related condition. Last evaluated: 2021-06-22. Review status: no assertion criteria provided. Collection method: clinical testing. Allele origin: germline.
Comment: This variant is classified as likely benign based on ACMG/AMP sequence variant interpretation guidelines (Richards et al. 2015 PMID: 25741868, with internal and published modifications).